The following is an entry in ClinVar:

NM_020427.3(SLURP1):c.280T>A (p.Cys94Ser)

Gene: SLURP1 (secreted LY6/PLAUR domain containing 1; minus strand). Cytogenetic location: 8q24.3.
Variant type: single nucleotide variant.
Coding change: c.280T>A on transcript NM_020427.3 (MANE Select); coding-DNA position 280, T replaced by A.
Protein change: p.Cys94Ser; replaces cysteine 94 with serine.
Molecular consequence: missense variant.
Genome position (GRCh38, 1-based): chr8:142,741,175, A>T on the plus strand (T>A on the coding strand, the complement: SLURP1 is on the minus strand). VCF-style: chr8-142741175-A-T. GRCh37 (hg19) VCF-style: chr8-143822593-A-T.
Other names: short protein forms C94S.
Identifiers: ClinVar variation 3768004 (VCV003768004.2).

ClinVar aggregate classification (germline): Uncertain significance. Review status: criteria provided, single submitter (1 of 4 stars). 2 submissions from 2 submitters: Uncertain significance (1). 1 of the submissions does not count toward it. Last evaluated 2025-02-22.

Conditions:
Acroerythrokeratoderma (MDM). Also called: KERATOSIS PALMOPLANTARIS TRANSGREDIENS OF SIEMENS; PALMOPLANTAR KERATODERMA, NORRBOTTEN RECESSIVE TYPE; PALMOPLANTAR KERATODERMA, GAMBORG NIELSEN TYPE; Meleda disease; Mal de Meleda. Identifiers: Orphanet 87503, MedGen C0025221, MONDO:0009552, OMIM 248300.

gnomAD v4.1: 2 of 1,608,726 alleles (0.00012%); highest among the groups gnomAD compares: Non-Finnish European, 0.00017%; no homozygotes.

Submissions (2):

Labcorp Genetics (formerly Invitae), Labcorp
Classification: Uncertain significance. Last evaluated: 2025-02-22. Review status: criteria provided, single submitter. Criteria: Invitae Variant Classification Sherloc (09022015). Collection method: clinical testing. Allele origin: germline.
Comment: This sequence change replaces cysteine, which is neutral and slightly polar, with serine, which is neutral and polar, at codon 94 of the SLURP1 protein (p.Cys94Ser). This variant is present in population databases (rs772388665, gnomAD 0.002%). This missense change has been observed in individual(s) with palmoplantar keratoderma (PMID: 24604124; internal data). In at least one individual the data is consistent with being in trans (on the opposite chromosome) from a pathogenic variant. An algorithm developed to predict the effect of missense changes on protein structure and function (PolyPhen-2) suggests that this variant is likely to be disruptive. In summary, the available evidence is currently insufficient to determine the role of this variant in disease. Therefore, it has been classified as a Variant of Uncertain Significance.

OMIM
Classification: Pathogenic for MAL DE MELEDA. Last evaluated: 2025-03-12. Review status: no assertion criteria provided. Collection method: literature only. Allele origin: germline. Not counted in ClinVar's aggregate classification.

Literature cited by the submitters: PubMed 24604124 (cited by Labcorp Genetics (formerly Invitae), Labcorp and OMIM).